The following is an entry in ClinVar:

NC_000020.10:g.(?_62559699)_(62656066_?)dup

Genes: DNAJC5 (DnaJ heat shock protein family (Hsp40) member C5; plus strand), PRPF6 (pre-mRNA processing factor 6; plus strand), SAMD10 (sterile alpha motif domain containing 10; minus strand), UCKL1 (uridine-cytidine kinase 1 like 1; minus strand), ZNF512B (zinc finger protein 512B; minus strand). Cytogenetic location: 20q13.33.
Variant type: Duplication.
Identifiers: ClinVar variation 1023510 (VCV001023510.5).

ClinVar aggregate classification (germline): Uncertain significance (1 of 4 stars; one submission).

Submission:

Labcorp Genetics (formerly Invitae), Labcorp
Classification: Uncertain significance. Last evaluated: 2020-10-26. Review status: criteria provided, single submitter. Criteria: Invitae Variant Classification Sherloc (09022015). Collection method: clinical testing. Allele origin: germline.
Comment: In summary, the available evidence is currently insufficient to determine the role of this variant in disease. Therefore, it has been classified as a Variant of Uncertain Significance. This variant has not been reported in the literature in individuals with PRPF6-related conditions. This variant results in a copy number gain of the genomic region encompassing exons 1-14 of the PRPF6 gene, which includes the initiator codon. The 5' end of this event is unknown as it extends beyond the assayed region for this gene and therefore may encompass additional genes. The 3' boundary is likely confined to intron 14 of the PRPF6 gene. As the precise location of this event is unknown, it may be in tandem or it may be located elsewhere in the genome.